The following is an entry in ClinVar:

NM_007194.4(CHEK2):c.938T>G (p.Val313Gly)

Gene: CHEK2 (checkpoint kinase 2; minus strand). Cytogenetic location: 22q12.1.
Variant type: single nucleotide variant.
Coding change: c.938T>G on transcript NM_007194.4 (MANE Select); coding-DNA position 938, T replaced by G.
Protein change: p.Val313Gly; replaces valine 313 with glycine.
Molecular consequence: missense variant.
Genome position (GRCh38, 1-based): chr22:28,699,908, A>C on the plus strand (T>G on the coding strand, the complement: CHEK2 is on the minus strand). VCF-style: chr22-28699908-A-C. GRCh37 (hg19) VCF-style: chr22-29095896-A-C.
Other names: c.1067T>G, p.Val356Gly (NM_001005735.3); c.275T>G, p.Val92Gly (NM_001257387.3); c.737T>G, p.Val246Gly (NM_001349956.3); c.938T>G, p.Val313Gly (NM_145862.3); short protein forms V92G, V356G, V246G, V313G.
Identifiers: ClinVar variation 2845031 (VCV002845031.3), dbSNP rs1039682955, ClinGen allele CA411099993.

ClinVar aggregate classification (germline): Uncertain significance (1 of 4 stars; one submission).

Conditions:
Familial cancer of breast. Also called: hereditary breast carcinoma; BREAST CANCER, FAMILIAL; Hereditary breast cancer. Identifiers: Orphanet 227535, MedGen C0346153, MONDO:0016419, OMIM 114480. Disease mechanism: loss of function.

Allele frequency attached by ClinVar (database versions not stated): gnomAD exomes below 0.00001.
gnomAD v4.1: 1 of 1,613,966 alleles (0.000062%); highest among the groups gnomAD compares: Non-Finnish European, 0.000085%; no homozygotes.

Submission:

Labcorp Genetics (formerly Invitae), Labcorp
Classification: Uncertain significance for Familial cancer of breast. Last evaluated: 2023-03-13. Review status: criteria provided, single submitter. Criteria: Invitae Variant Classification Sherloc (09022015). Collection method: clinical testing. Allele origin: germline.
Comment: In summary, the available evidence is currently insufficient to determine the role of this variant in disease. Therefore, it has been classified as a Variant of Uncertain Significance. An algorithm developed to predict the effect of missense changes on protein structure and function (PolyPhen-2) suggests that this variant is likely to be disruptive. This variant has not been reported in the literature in individuals affected with CHEK2-related conditions. This variant is not present in population databases (gnomAD no frequency). This sequence change replaces valine, which is neutral and non-polar, with glycine, which is neutral and non-polar, at codon 313 of the CHEK2 protein (p.Val313Gly).